The following is an entry in ClinVar:

ClinVar aggregate classification (germline): Uncertain significance (1 of 4 stars; one submission).

Conditions:
Bethlem myopathy 1A. Also called: Bethlem myopathy 1; MYOPATHY, BENIGN CONGENITAL, WITH CONTRACTURES; Bethlem Muscular Dystrophy. Identifiers: Orphanet 610, MedGen CN029274, MONDO:0024530, OMIM 158810.

Submission:

Labcorp Genetics (formerly Invitae), Labcorp
Classification: Uncertain significance for Bethlem myopathy 1A. Last evaluated: 2024-03-08. Review status: criteria provided, single submitter. Criteria: Invitae Variant Classification Sherloc (09022015). Collection method: clinical testing. Allele origin: germline.
Comment: This sequence change replaces alanine, which is neutral and non-polar, with valine, which is neutral and non-polar, at codon 2958 of the COL6A3 protein (p.Ala2958Val). This variant is not present in population databases (gnomAD no frequency). This variant has not been reported in the literature in individuals affected with COL6A3-related conditions. Advanced modeling of protein sequence and biophysical properties (such as structural, functional, and spatial information, amino acid conservation, physicochemical variation, residue mobility, and thermodynamic stability) performed at Invitae indicates that this missense variant is not expected to disrupt COL6A3 protein function with a negative predictive value of 95%. In summary, the available evidence is currently insufficient to determine the role of this variant in disease. Therefore, it has been classified as a Variant of Uncertain Significance.

NM_004369.4(COL6A3):c.8873C>T (p.Ala2958Val)

Gene: COL6A3 (collagen type VI alpha 3 chain; minus strand). Cytogenetic location: 2q37.3.
Variant type: single nucleotide variant.
Coding change: c.8873C>T on transcript NM_004369.4 (MANE Select); coding-DNA position 8873, C replaced by T.
Protein change: p.Ala2958Val; replaces alanine 2958 with valine.
Molecular consequence: missense variant.
Genome position (GRCh38, 1-based): chr2:237,336,227, G>A on the plus strand (C>T on the coding strand, the complement: COL6A3 is on the minus strand). VCF-style: chr2-237336227-G-A. GRCh37 (hg19) VCF-style: chr2-238244870-G-A.
Other names: c.7052C>T, p.Ala2351Val (NM_057166.5); c.8255C>T, p.Ala2752Val (NM_057167.4); short protein forms A2351V, A2752V, A2958V.
Identifiers: ClinVar variation 3615608 (VCV003615608.2).